The following is an entry in ClinVar:

ClinVar aggregate classification (germline): Uncertain significance (1 of 4 stars; one submission).

Submission:

GeneDx
Classification: Uncertain significance. Last evaluated: 2022-09-12. Review status: criteria provided, single submitter. Criteria: GeneDx Variant Classification Process June 2021. Collection method: clinical testing. Allele origin: germline. Affected: yes.
Comment: Not observed at significant frequency in large population cohorts (gnomAD); In silico analysis supports that this missense variant does not alter protein structure/function; Has not been previously published as pathogenic or benign to our knowledge

NM_001368397.1(FRMPD4):c.1981G>A (p.Asp661Asn)

Gene: FRMPD4 (FERM and PDZ domain containing 4; plus strand). Cytogenetic location: Xp22.2.
Variant type: single nucleotide variant.
Coding change: c.1981G>A on transcript NM_001368397.1 (MANE Select); coding-DNA position 1981, G replaced by A.
Protein change: p.Asp661Asn; replaces aspartic acid 661 with asparagine.
Molecular consequence: missense variant.
Genome position (GRCh38, 1-based): chrX:12,716,440, G>A. VCF-style: chrX-12716440-G-A. GRCh37 (hg19) VCF-style: chrX-12734559-G-A.
Other names: c.2092G>A, p.Asp698Asn (NM_001368395.3, NM_001368398.3); c.1987G>A, p.Asp663Asn (NM_001368396.3); c.1972G>A, p.Asp658Asn (NM_001368399.3); c.1861G>A, p.Asp621Asn (NM_001368400.3); c.1957G>A, p.Asp653Asn (NM_001368401.1, NM_001368402.3); c.1981G>A, p.Asp661Asn (NM_014728.3); short protein forms D621N, D653N, D658N, D661N, D663N, D698N.
Identifiers: ClinVar variation 2443463 (VCV002443463.1), dbSNP rs2519848543, ClinGen allele CA412309854.